The following is an entry in ClinVar:

NM_001127198.5(TMC6):c.2354+3G>T

Gene: TMC6 (transmembrane channel like 6; minus strand). Cytogenetic location: 17q25.3.
Variant type: single nucleotide variant.
Coding change: c.2354+3G>T on transcript NM_001127198.5 (MANE Select); 3 bases into the intron after coding-DNA position 2354, G replaced by T.
Molecular consequence: intron variant.
Genome position (GRCh38, 1-based): chr17:78,113,545, C>A on the plus strand (G>T on the coding strand, the complement: TMC6 is on the minus strand). VCF-style: chr17-78113545-C-A. GRCh37 (hg19) VCF-style: chr17-76109626-C-A.
Other names: c.2354+3G>T (NM_001321185.1, NM_001375353.1, NM_001375354.1 and 2 more transcripts); c.2174+3G>T (NM_001374594.1, NM_001374593.1).
Identifiers: ClinVar variation 2872442 (VCV002872442.3), dbSNP rs1470334232, ClinGen allele CA628014172.
Genomic context (GRCh38, chr17:78,113,545, plus strand): 5'-TCCAGCCCTGGCCCCTCTCCCCTCCAGGCTCAGAGTGTCCCCAATCCCTCCACGGACCCT[C>A]ACCTGCTCCTCTCCTCCCTCTCCTTCCTCTCGTAGATGGAGTGAAGCTTGTTGATTAAGA-3'

ClinVar aggregate classification (germline): Uncertain significance (1 of 4 stars; one submission).

Conditions:
Epidermodysplasia verruciformis. Identifiers: Orphanet 302, MedGen C0014522, MONDO:0009176.

Allele frequency attached by ClinVar (database versions not stated): TOPMed 0.00002; gnomAD exomes 0.00003.

Submission:

Labcorp Genetics (formerly Invitae), Labcorp
Classification: Uncertain significance for Epidermodysplasia verruciformis. Last evaluated: 2023-09-10. Review status: criteria provided, single submitter. Criteria: Invitae Variant Classification Sherloc (09022015). Collection method: clinical testing. Allele origin: germline.
Comment: This variant has not been reported in the literature in individuals affected with TMC6-related conditions. Variants that disrupt the consensus splice site are a relatively common cause of aberrant splicing (PMID: 17576681, 9536098). Algorithms developed to predict the effect of sequence changes on RNA splicing suggest that this variant may disrupt the consensus splice site. In summary, the available evidence is currently insufficient to determine the role of this variant in disease. Therefore, it has been classified as a Variant of Uncertain Significance. This variant is present in population databases (no rsID available, gnomAD 0.002%). This sequence change falls in intron 19 of the TMC6 gene. It does not directly change the encoded amino acid sequence of the TMC6 protein. It affects a nucleotide within the consensus splice site.

Literature cited by the submitters: PubMed 17576681; PubMed 9536098.